The following is an entry in ClinVar:

NM_004380.3(CREBBP):c.6005_6006del (p.Val2002fs)

Gene: CREBBP (CREB binding lysine acetyltransferase; minus strand). Cytogenetic location: 16p13.3.
Variant type: Microsatellite.
Coding change: c.6005_6006del on transcript NM_004380.3 (MANE Select); coding-DNA positions 6005 to 6006, 2 bases deleted (TG; older notation c.6005_6006delTG).
Protein change: p.Val2002fs; shifts the reading frame from valine 2002.
Molecular consequence: frameshift variant.
Genome position (GRCh38, 1-based): chr16:3,729,041-3,729,042, CA deleted on the plus strand (TG on the coding strand, the reverse complement: CREBBP is on the minus strand); deleting any 2 consecutive bases within chr16:3,729,041-3,729,044 gives the same sequence; the c. name uses the placement nearest the transcript's 3' end. VCF-style (leftmost placement, unchanged base first): chr16-3729040-GCA-G. GRCh37 (hg19) VCF-style: chr16-3779041-GCA-G.
Other names: c.5891_5892del, p.Val1964fs (NM_001079846.1); short protein forms V1964fs, V2002fs.
Identifiers: ClinVar variation 1805452 (VCV001805452.1), dbSNP rs2548347574, ClinGen allele CA2573102957.

ClinVar aggregate classification (germline): Pathogenic (1 of 4 stars; one submission).

Conditions:
Rubinstein-Taybi syndrome due to CREBBP mutations (RSTS1). Also called: BROAD THUMBS AND GREAT TOES, CHARACTERISTIC FACIES, AND IMPAIRED INTELLECTUAL DEVELOPMENT; RUBINSTEIN SYNDROME; BROAD THUMB-HALLUX SYNDROME; RUBINSTEIN-TAYBI SYNDROME 1, INCOMPLETE; Rubinstein-Taybi syndrome 1; CREBBP-Related Rubinstein-Taybi Syndrome. Identifiers: Orphanet 353277, Orphanet 783, MedGen C4551859, MONDO:0008393, OMIM 180849.

Submission:

Victorian Clinical Genetics Services, Murdoch Childrens Research Institute
Classification: Pathogenic for Rubinstein-Taybi syndrome due to CREBBP mutations. Last evaluated: 2022-03-31. Review status: criteria provided, single submitter. Criteria: ACMG Guidelines, 2015. Collection method: clinical testing. Allele origin: germline. Inheritance: Autosomal dominant inheritance.
Comment: Based on the classification scheme VCGS_Germline_v1.3.4, this variant is classified as Pathogenic. Following criteria are met: 0102 - Loss of function is a known mechanism of disease in this gene and is associated with Menke-Hennekam syndrome 1 (MIM#618332) and Rubinstein-Taybi syndrome 1 (MIM#180849). (I) 0107 - This gene is associated with autosomal dominant disease. (I) 0205 - Variant is predicted to result in a truncated protein (premature termination codon is NOT located at least 54 nucleotides upstream of the final exon-exon junction) with less than 1/3 of the protein sequence affected. (SP) 0251 - This variant is heterozygous. (I) 0301 - Variant is absent from gnomAD (both v2 and v3). (SP) 0701 - Other downstream protein-truncating variants comparable to the one identified in this case have very strong previous evidence for pathogenicity (ClinVar, DECIPHER). (SP) 0807 - This variant has no previous evidence of pathogenicity. (I) 0905 - No published segregation evidence has been identified for this variant. (I) 1007 - No published functional evidence has been identified for this variant. (SP) Legend: (SP) - Supporting pathogenic, (I) - Information, (SB) - Supporting benign